The following is an entry in ClinVar:

NM_152594.3(SPRED1):c.1320_1321del (p.His440fs)

Gene: SPRED1 (sprouty related EVH1 domain containing 1; plus strand). Cytogenetic location: 15q14.
Variant type: Deletion.
Coding change: c.1320_1321del on transcript NM_152594.3 (MANE Select); coding-DNA positions 1320 to 1321, 2 bases deleted (TA; older notation c.1320_1321delTA).
Protein change: p.His440fs; shifts the reading frame from histidine 440.
Molecular consequence: frameshift variant.
Genome position (GRCh38, 1-based): chr15:38,351,649-38,351,650, TA deleted; deleting any 2 consecutive bases within chr15:38,351,648-38,351,650 gives the same sequence; the c. name uses the placement nearest the transcript's 3' end. VCF-style (leftmost placement, unchanged base first): chr15-38351647-CAT-C. GRCh37 (hg19) VCF-style: chr15-38643848-CAT-C.
Other names: short protein forms H440fs.
Identifiers: ClinVar variation 1361274 (VCV001361274.6), dbSNP rs759838497, ClinGen allele CA7470264.

ClinVar aggregate classification (germline): Uncertain significance (1 of 4 stars; one submission).

Conditions:
Legius syndrome. Identifiers: Orphanet 137605, MedGen C1969623, MONDO:0012669, OMIM 611431. Disease mechanism: loss of function.

Submission:

Labcorp Genetics (formerly Invitae), Labcorp
Classification: Uncertain significance for Legius syndrome. Last evaluated: 2022-07-06. Review status: criteria provided, single submitter. Criteria: Invitae Variant Classification Sherloc (09022015). Collection method: clinical testing. Allele origin: germline.
Comment: In summary, the available evidence is currently insufficient to determine the role of this variant in disease. Therefore, it has been classified as a Variant of Uncertain Significance. Experimental studies and prediction algorithms are not available or were not evaluated, and the functional significance of this variant is currently unknown. ClinVar contains an entry for this variant (Variation ID: 1361274). This variant has not been reported in the literature in individuals affected with SPRED1-related conditions. This variant is present in population databases (rs759838497, gnomAD 0.003%). This sequence change results in a frameshift in the SPRED1 gene (p.His440Glnfs*23). While this is not anticipated to result in nonsense mediated decay, it is expected to disrupt the last 5 amino acid(s) of the SPRED1 protein and extend the protein by 17 additional amino acid residues.